The following is an entry in ClinVar:

NC_000007.13:g.(?_16131320)_(16348272_?)dup

Gene: CRPPA (CDP-L-ribitol pyrophosphorylase A; minus strand). Cytogenetic location: 7p21.2.
Variant type: Duplication.
Identifiers: ClinVar variation 2423713 (VCV002423713.5).

ClinVar aggregate classification (germline): Uncertain significance (1 of 4 stars; one submission).

Conditions:
Muscular dystrophy-dystroglycanopathy (congenital with brain and eye anomalies), type A, 7. Also called: WALKER-WARBURG SYNDROME OR MUSCLE-EYE-BRAIN DISEASE, ISPD-RELATED; Congenital muscular dystrophy-dystroglycanopathy with brain and eye anomalies, type A7. Identifiers: Orphanet 899, MedGen C3553330, MONDO:0013835, OMIM 614643.
Autosomal recessive limb-girdle muscular dystrophy type 2U. Also called: Muscular dystrophy-dystroglycanopathy (limb-girdle), type c, 7; MUSCULAR DYSTROPHY, LIMB-GIRDLE, TYPE 2U. Identifiers: Orphanet 352479, MedGen C5190987, MONDO:0014474, OMIM 616052.

Submission:

Labcorp Genetics (formerly Invitae), Labcorp
Classification: Uncertain significance for Muscular dystrophy-dystroglycanopathy (congenital with brain and eye anomalies), type A, 7; Autosomal recessive limb-girdle muscular dystrophy type 2U. Last evaluated: 2022-06-08. Review status: criteria provided, single submitter. Criteria: Invitae Variant Classification Sherloc (09022015). Collection method: clinical testing. Allele origin: germline.
Comment: In summary, the available evidence is currently insufficient to determine the role of this variant in disease. Therefore, it has been classified as a Variant of Uncertain Significance. This variant has not been reported in the literature in individuals affected with ISPD-related conditions. This variant results in a copy number gain of the genomic region encompassing exon(s) 4-10 of the ISPD gene. This region includes the termination codon of the gene. This copy number gain extends beyond the assayed region for this gene and therefore may encompass additional genes. As the precise location of this event is unknown, it may be in tandem or it may be located elsewhere in the genome.